The following is an entry in ClinVar:

ClinVar aggregate classification (germline): Likely benign (1 of 4 stars; one submission).

Submission:

CeGaT Center for Human Genetics Tuebingen
Classification: Likely benign. Last evaluated: 2025-11-01. Review status: criteria provided, single submitter. Criteria: CeGaT Center For Human Genetics Tuebingen Variant Classification Criteria Version 2. Collection method: clinical testing. Allele origin: germline. Affected: yes. Observed: 1 variant allele.
Comment: HIVEP2: PM2:Supporting, BP4, BP7

NM_006734.4(HIVEP2):c.7161T>C (p.Pro2387=)

Gene: HIVEP2 (HIVEP zinc finger 2; minus strand). Cytogenetic location: 6q24.2.
Variant type: single nucleotide variant.
Coding change: c.7161T>C on transcript NM_006734.4 (MANE Select); coding-DNA position 7161, T replaced by C.
Protein change: p.Pro2387=; no amino-acid change (proline 2387 retained).
Molecular consequence: synonymous variant.
Genome position (GRCh38, 1-based): chr6:142,753,287, A>G on the plus strand (T>C on the coding strand, the complement: HIVEP2 is on the minus strand). VCF-style: chr6-142753287-A-G. GRCh37 (hg19) VCF-style: chr6-143074424-A-G.
Other names: c.7161T>C, p.Pro2387= (NM_001438449.1, NM_001438450.1, NM_001438451.1).
Identifiers: ClinVar variation 4535093 (VCV004535093.6).